The following is an entry in ClinVar:

NM_001379291.1(BRD4):c.1213-4C>A

Gene: BRD4 (bromodomain containing 4; minus strand). Cytogenetic location: 19p13.12.
Variant type: single nucleotide variant.
Coding change: c.1213-4C>A on transcript NM_001379291.1 (MANE Select); 4 bases into the intron before coding-DNA position 1213, C replaced by A.
Molecular consequence: intron variant.
Genome position (GRCh38, 1-based): chr19:15,263,552, G>T on the plus strand (C>A on the coding strand, the complement: BRD4 is on the minus strand). VCF-style: chr19-15263552-G-T. GRCh37 (hg19) VCF-style: chr19-15374363-G-T.
Other names: c.1213-4C>A (NM_058243.3, NM_001379292.1, NM_014299.3 and 1 more transcripts).
Identifiers: ClinVar variation 3375315 (VCV003375315.2).
Genomic context (GRCh38, chr19:15,263,552, plus strand): 5'-TCGGACGTCAGCACCAAACTCCTGAGCATCACGGTACTCACGGGCCTCCAGTTTAGACTG[G>T]AAAACAAGACAAGTCCCTGTTAGCTGTGTCTGCCCATGTGACCATGGAGAAGTGGCTGGC-3'

ClinVar aggregate classification (germline): Uncertain significance (1 of 4 stars; one submission).

Submission:

Women's Health and Genetics/Laboratory Corporation of America, LabCorp
Classification: Uncertain significance. Last evaluated: 2025-09-24. Review status: criteria provided, single submitter. Criteria: LabCorp Variant Classification Summary - May 2015. Collection method: clinical testing. Allele origin: germline.
Comment: Variant summary: BRD4 c.1213-4C>A alters a conserved nucleotide located close to a canonical splice site and therefore could affect mRNA splicing, leading to a significantly altered protein sequence. Consensus agreement among computation tools predict no significant impact on normal splicing. However, these predictions have yet to be confirmed by functional studies. The variant was absent in 251418 control chromosomes. The available data on variant occurrences in the general population are insufficient to allow any conclusion about variant significance. To our knowledge, no occurrence of c.1213-4C>A in individuals affected with BRD4-related conditions and no experimental evidence demonstrating its impact on protein function have been reported. No submitters have cited clinical-significance assessments for this variant to ClinVar. Based on the evidence outlined above, the variant was classified as uncertain significance.